The following is an entry in ClinVar:

ClinVar aggregate classification (germline): Uncertain significance. Review status: criteria provided, multiple submitters, no conflicts (2 of 4 stars). 2 submissions from 2 submitters: Uncertain significance (2). Last evaluated 2026-04-11.

Conditions:
Long QT syndrome (LQTS). Identifiers: MedGen C0023976, MeSH D008133, MONDO:0002442. Disease mechanism: loss of function. Inheritance: Various modes of inheritance.
Cardiovascular phenotype. Identifiers: MedGen CN230736.

gnomAD v4.1: 6 of 1,613,922 alleles (0.00037%); highest among the groups gnomAD compares: South Asian, 0.0011%; no homozygotes.

Submissions (2):

Ambry Genetics
Classification: Uncertain significance for Cardiovascular phenotype. Last evaluated: 2026-04-11. Review status: criteria provided, single submitter. Criteria: Ambry Variant Classification Scheme 2023. Collection method: clinical testing. Allele origin: germline.
Comment: The p.M460L variant (also known as c.1378A>T), located in coding exon 8 of the AKAP9 gene, results from an A to T substitution at nucleotide position 1378. The methionine at codon 460 is replaced by leucine, an amino acid with highly similar properties. This amino acid position is conserved. In addition, this alteration is predicted to be tolerated by in silico analysis. Based on the available evidence, the clinical significance of this variant remains unclear.

Labcorp Genetics (formerly Invitae), Labcorp
Classification: Uncertain significance for Long QT syndrome. Last evaluated: 2019-11-26. Review status: criteria provided, single submitter. Criteria: Invitae Variant Classification Sherloc (09022015). Collection method: clinical testing. Allele origin: germline.
Comment: In summary, the available evidence is currently insufficient to determine the role of this variant in disease. Therefore, it has been classified as a Variant of Uncertain Significance. Algorithms developed to predict the effect of missense changes on protein structure and function output the following: SIFT: "Tolerated"; PolyPhen-2: "Benign"; Align-GVGD: "Class C0". The leucine amino acid residue is found in multiple mammalian species, suggesting that this missense change does not adversely affect protein function. These predictions have not been confirmed by published functional studies and their clinical significance is uncertain. This variant has not been reported in the literature in individuals with AKAP9-related conditions. This variant is not present in population databases (ExAC no frequency). This sequence change replaces methionine with leucine at codon 460 of the AKAP9 protein (p.Met460Leu). The methionine residue is weakly conserved and there is a small physicochemical difference between methionine and leucine.

NM_005751.5(AKAP9):c.1378A>T (p.Met460Leu)

Gene: AKAP9 (A-kinase anchoring protein 9; plus strand). Cytogenetic location: 7q21.2.
Variant type: single nucleotide variant.
Coding change: c.1378A>T on transcript NM_005751.5 (MANE Select); coding-DNA position 1378, A replaced by T.
Protein change: p.Met460Leu; replaces methionine 460 with leucine.
Molecular consequence: missense variant.
Genome position (GRCh38, 1-based): chr7:92,001,295, A>T. VCF-style: chr7-92001295-A-T. GRCh37 (hg19) VCF-style: chr7-91630609-A-T.
Other names: c.1378A>T, p.Met460Leu (NM_147185.3); short protein forms M460L.
Identifiers: ClinVar variation 857921 (VCV000857921.10), dbSNP rs751654728, ClinGen allele CA368121650.
Genomic context (GRCh38, chr7:92,001,295, plus strand): 5'-ATGTATGGGCAGCAGATAGTGCAAATGAAACAAGAATTAATAAGACAACACATGGCACAG[A>T]TGGAGGAAATGAAAACACGGCATAAGGGAGAAATGGAGAATGCTTTAAGGTCATATTCAA-3'
Protein context (NP_005742.4, residues 450-470): QELIRQHMAQ[Met460Leu]EEMKTRHKGE